The following is an entry in ClinVar:

ClinVar aggregate classification (germline): Pathogenic/Likely pathogenic. Review status: criteria provided, multiple submitters, no conflicts (2 of 4 stars). 2 submissions from 2 submitters: Pathogenic (1); Likely pathogenic (1). Last evaluated 2025-09-28.

Conditions:
Granulomatous disease, chronic, X-linked. Also called: CYTOCHROME b-NEGATIVE GRANULOMATOUS DISEASE, CHRONIC, X-LINKED; GRANULOMATOUS DISEASE, CHRONIC, X-LINKED, SOMATIC MOSAIC. Identifiers: Orphanet 379, MedGen C1844376, MONDO:0010600, OMIM 306400.

Submissions (2):

Labcorp Genetics (formerly Invitae), Labcorp
Classification: Pathogenic for Granulomatous disease, chronic, X-linked. Last evaluated: 2025-09-28. Review status: criteria provided, single submitter. Criteria: Invitae Variant Classification Sherloc (09022015). Collection method: clinical testing. Allele origin: germline.
Comment: This sequence change affects an acceptor splice site in intron 10 of the CYBB gene. It is expected to disrupt RNA splicing. Variants that disrupt the donor or acceptor splice site typically lead to a loss of protein function (PMID: 16199547), and loss-of-function variants in CYBB are known to be pathogenic (PMID: 9585602, 20729109). This variant is not present in population databases (gnomAD no frequency). Disruption of this splice site has been observed in individuals with chronic granulomatous disease (PMID: 9585602; internal data). ClinVar contains an entry for this variant (Variation ID: 1803654). Algorithms developed to predict the effect of sequence changes on RNA splicing suggest that this variant may disrupt the consensus splice site. For these reasons, this variant has been classified as Pathogenic.

GeneDx
Classification: Likely pathogenic. Last evaluated: 2022-06-10. Review status: criteria provided, single submitter. Criteria: GeneDx Variant Classification Process June 2021. Collection method: clinical testing. Allele origin: germline. Affected: yes.
Comment: Canonical splice site variant expected to result in aberrant splicing, although in the absence of functional evidence the actual effect of this sequence change is unknown.; Not observed at significant frequency in large population cohorts (gnomAD); Has not been previously published as pathogenic or benign to our knowledge

Literature cited by the submitters: PubMed 16199547 (cited by Labcorp Genetics (formerly Invitae), Labcorp); PubMed 9585602 (cited by Labcorp Genetics (formerly Invitae), Labcorp); PubMed 20729109 (cited by Labcorp Genetics (formerly Invitae), Labcorp).

NM_000397.4(CYBB):c.1315-2A>G

Gene: CYBB (cytochrome b-245 beta chain; plus strand). Cytogenetic location: Xp11.4.
Variant type: single nucleotide variant.
Coding change: c.1315-2A>G on transcript NM_000397.4 (MANE Select); the canonical splice acceptor site of the intron before coding-DNA position 1315, A replaced by G.
Molecular consequence: splice acceptor variant.
Genome position (GRCh38, 1-based): chrX:37,806,385, A>G. VCF-style: chrX-37806385-A-G. GRCh37 (hg19) VCF-style: chrX-37665638-A-G.
Identifiers: ClinVar variation 1803654 (VCV001803654.2), dbSNP rs2519210990, ClinGen allele CA412977969.